The following is an entry in ClinVar:

NM_207122.2(EXT2):c.434A>T (p.Asp145Val)

Gene: EXT2 (exostosin glycosyltransferase 2; plus strand). Cytogenetic location: 11p11.2.
Variant type: single nucleotide variant.
Coding change: c.434A>T on transcript NM_207122.2 (MANE Select); coding-DNA position 434, A replaced by T.
Protein change: p.Asp145Val; replaces aspartic acid 145 with valine.
Molecular consequence: missense variant.
Genome position (GRCh38, 1-based): chr11:44,108,146, A>T. VCF-style: chr11-44108146-A-T. GRCh37 (hg19) VCF-style: chr11-44129696-A-T.
Other names: c.533A>T, p.Asp178Val (NM_000401.3); c.434A>T, p.Asp145Val (NM_001178083.3, NM_001389628.1, NM_001389630.1); short protein forms D145V, D178V.
Identifiers: ClinVar variation 5040032 (VCV005040032.1).

ClinVar aggregate classification (germline): Uncertain significance (1 of 4 stars; one submission).

Submission:

CeGaT Center for Human Genetics Tuebingen
Classification: Uncertain significance. Last evaluated: 2026-09-01. Review status: criteria provided, single submitter. Criteria: CeGaT Center For Human Genetics Tuebingen Variant Classification Criteria Version 2. Collection method: clinical testing. Allele origin: germline. Affected: yes. Observed: 1 variant allele.
Comment: EXT2: PM2